The following is an entry in ClinVar:

ClinVar aggregate classification (germline): Pathogenic. Review status: criteria provided, multiple submitters, no conflicts (2 of 4 stars). 3 submissions from 3 submitters: Pathogenic (2). 1 of the submissions does not count toward it. Last evaluated 2025-04-14.

Conditions:
von Willebrand disorder (VWD). Also called: Von Willebrand disease (hereditary or acquired); von Willebrand's disease; von Willebrand Diseases. Identifiers: MedGen C0042974, MeSH D014842, MONDO:0024574.
von Willebrand disease type 3 (VWD3). Also called: Type 3 Von Willebrand's disease; Type 3 VWD; Von Willebrand disease, severe form; V WD3; VON WILLEBRAND DISEASE, TYPE III. Identifiers: Orphanet 166096, MedGen C1264041, MONDO:0010191, OMIM 277480.

Allele frequency attached by ClinVar (database versions not stated): gnomAD exomes below 0.00001; gnomAD 0.00001; TOPMed 0.00002.

Submissions (3):

Women's Health and Genetics/Laboratory Corporation of America, LabCorp
Classification: Pathogenic for von Willebrand disorder. Last evaluated: 2025-04-14. Review status: criteria provided, single submitter. Criteria: LabCorp Variant Classification Summary - May 2015. Collection method: clinical testing. Allele origin: germline.
Comment: Variant summary: VWF c.311_312delAG (p.Gln104ArgfsX19) results in a premature termination codon, predicted to cause a truncation of the encoded protein or absence of the protein due to nonsense mediated decay, which are commonly known mechanisms for disease. The variant was absent in 251438 control chromosomes (gnomAD). c.311_312delAG has been observed in multiple individuals affected with autosomal recessive VWF-related conditions (Baronciani_2021). These data indicate that the variant is very likely to be associated with disease. The following publication has been ascertained in the context of this evaluation (PMID: 34351388). ClinVar contains an entry for this variant (Variation ID: 1065296). Based on the evidence outlined above, the variant was classified as pathogenic.

Quest Diagnostics Nichols Institute San Juan Capistrano
Classification: Pathogenic. Last evaluated: 2025-03-10. Review status: criteria provided, single submitter. Criteria: Quest Diagnostics criteria. Collection method: clinical testing. Allele origin: unknown.
Comment: The VWF c.311_312del (p.Gln104Argfs*19) variant alters the translational reading frame of the VWF mRNA and causes the premature termination of VWF protein synthesis. This variant has been reported in the published literature in in individuals with type 3 von Willebrand disease (PMID: 39002731 (2024), 36792472 (2023), 34351388 (2021), 29984440 (2018), 23777763 (2013)). The frequency of this variant in the general population (Genome Aggregation Database) is consistent with pathogenicity. Based on the available information, this variant is classified as pathogenic.

Angelo Bianchi Bonomi Hemophilia and Thrombosis Center, Fondazione IRCCS Ca Granda Ospedale Maggiore Policlinico
Classification: Pathogenic for von Willebrand disease type 3. Last evaluated: 2021-04-12. Review status: no assertion criteria provided. Collection method: clinical testing. Allele origin: germline. Affected: yes. Study: Type 3 Von Willebrand International Registries Inhibitor Prospective Study (3WINTERS-IPS). Not counted in ClinVar's aggregate classification.

Literature cited by the submitters: PubMed 34351388 (cited by Women's Health and Genetics/Laboratory Corporation of America, LabCorp and Quest Diagnostics Nichols Institute San Juan Capistrano); PubMed 29984440 (cited by Quest Diagnostics Nichols Institute San Juan Capistrano); PubMed 33556167 (cited by Quest Diagnostics Nichols Institute San Juan Capistrano); PubMed 39002731 (cited by Quest Diagnostics Nichols Institute San Juan Capistrano); PubMed 23777763 (cited by Quest Diagnostics Nichols Institute San Juan Capistrano); PubMed 36792472 (cited by Quest Diagnostics Nichols Institute San Juan Capistrano).

NM_000552.5(VWF):c.311_312del (p.Gln104fs)

Gene: VWF (von Willebrand factor; minus strand). Cytogenetic location: 12p13.31.
Variant type: Deletion.
Coding change: c.311_312del on transcript NM_000552.5 (MANE Select); coding-DNA positions 311 to 312, 2 bases deleted (AG; older notation c.311_312delAG).
Protein change: p.Gln104fs; shifts the reading frame from glutamine 104.
Molecular consequence: frameshift variant.
Genome position (GRCh38, 1-based): chr12:6,110,877-6,110,878, CT deleted on the plus strand (AG on the coding strand, the reverse complement: VWF is on the minus strand). VCF-style (leftmost placement, unchanged base first): chr12-6110876-CCT-C. GRCh37 (hg19) VCF-style: chr12-6220042-CCT-C.
Other names: c.311_312del (NM_000552.4); c.311_312delAG (NM_000552.5); short protein forms Q104fs.
Identifiers: ClinVar variation 1065296 (VCV001065296.6), dbSNP rs1481396407, ClinGen allele CA690612114.